The following is an entry in ClinVar:

NM_001385012.1(NBEA):c.3818C>T (p.Ser1273Leu)

Gene: NBEA (neurobeachin; plus strand). Cytogenetic location: 13q13.3.
Variant type: single nucleotide variant.
Coding change: c.3818C>T on transcript NM_001385012.1 (MANE Select); coding-DNA position 3818, C replaced by T.
Protein change: p.Ser1273Leu; replaces serine 1273 with leucine.
Molecular consequence: missense variant.
Genome position (GRCh38, 1-based): chr13:35,159,989, C>T. VCF-style: chr13-35159989-C-T. GRCh37 (hg19) VCF-style: chr13-35734126-C-T.
Other names: c.3818C>T, p.Ser1273Leu (NM_001379245.1, NM_015678.5); short protein forms S1273L.
Identifiers: ClinVar variation 4733612 (VCV004733612.1).

ClinVar aggregate classification (germline): Uncertain significance (1 of 4 stars; one submission).

Submission:

Labcorp Genetics (formerly Invitae), Labcorp
Classification: Uncertain significance. Last evaluated: 2025-12-19. Review status: criteria provided, single submitter. Criteria: Invitae Variant Classification Sherloc (09022015). Collection method: clinical testing. Allele origin: germline.
Comment: This sequence change replaces serine, which is neutral and polar, with leucine, which is neutral and non-polar, at codon 1273 of the NBEA protein (p.Ser1273Leu). This variant is not present in population databases (gnomAD no frequency). This variant has not been reported in the literature in individuals affected with NBEA-related conditions. An algorithm developed to predict the effect of missense changes on protein structure and function outputs the following: PolyPhen-2: "Benign". The leucine amino acid residue is found in multiple mammalian species, which suggests that this missense change does not adversely affect protein function. In summary, the available evidence is currently insufficient to determine the role of this variant in disease. Therefore, it has been classified as a Variant of Uncertain Significance.